The following is an entry in ClinVar:

NM_005560.6(LAMA5):c.631G>A (p.Asp211Asn)

Gene: LAMA5 (laminin subunit alpha 5; minus strand). Cytogenetic location: 20q13.33.
Variant type: single nucleotide variant.
Coding change: c.631G>A on transcript NM_005560.6 (MANE Select); coding-DNA position 631, G replaced by A.
Protein change: p.Asp211Asn; replaces aspartic acid 211 with asparagine.
Molecular consequence: missense variant.
Genome position (GRCh38, 1-based): chr20:62,352,298, C>T on the plus strand (G>A on the coding strand, the complement: LAMA5 is on the minus strand). VCF-style: chr20-62352298-C-T. GRCh37 (hg19) VCF-style: chr20-60927354-C-T.
Other names: c.631G>A (NM_005560.3); short protein forms D211N.
Identifiers: ClinVar variation 2176129 (VCV002176129.2), dbSNP rs750816790, ClinGen allele CA9944365.

ClinVar aggregate classification (germline): Uncertain significance. Review status: criteria provided, multiple submitters, no conflicts (2 of 4 stars). 2 submissions from 2 submitters: Uncertain significance (2). Last evaluated 2026-09-10.

Conditions:
Inborn genetic diseases. Identifiers: MedGen C0950123, MeSH D030342.

Allele frequency attached by ClinVar (database versions not stated): ExAC 0.00003; TOPMed 0.00003; gnomAD exomes 0.00001; gnomAD 0.00001.
gnomAD v4.1: 13 of 1,599,916 alleles (0.00081%); highest among the groups gnomAD compares: Admixed American, 0.0083%; no homozygotes.

Submissions (2):

Ambry Genetics
Classification: Uncertain significance for Inborn genetic diseases. Last evaluated: 2026-09-10. Review status: criteria provided, single submitter. Criteria: Ambry Variant Classification Scheme 2023. Collection method: clinical testing. Allele origin: germline.

Labcorp Genetics (formerly Invitae), Labcorp
Classification: Uncertain significance. Last evaluated: 2022-06-30. Review status: criteria provided, single submitter. Criteria: Invitae Variant Classification Sherloc (09022015). Collection method: clinical testing. Allele origin: germline.
Comment: This sequence change replaces aspartic acid, which is acidic and polar, with asparagine, which is neutral and polar, at codon 211 of the LAMA5 protein (p.Asp211Asn). This variant is present in population databases (rs750816790, gnomAD 0.01%). This variant has not been reported in the literature in individuals affected with LAMA5-related conditions. Algorithms developed to predict the effect of missense changes on protein structure and function are either unavailable or do not agree on the potential impact of this missense change (SIFT: "Deleterious"; PolyPhen-2: "Probably Damaging"; Align-GVGD: "Class C0"). In summary, the available evidence is currently insufficient to determine the role of this variant in disease. Therefore, it has been classified as a Variant of Uncertain Significance.